The following is an entry in ClinVar:

NM_005188.4(CBL):c.1946T>C (p.Met649Thr)

Gene: CBL (Cbl proto-oncogene; plus strand). Cytogenetic location: 11q23.3.
Variant type: single nucleotide variant.
Coding change: c.1946T>C on transcript NM_005188.4 (MANE Select); coding-DNA position 1946, T replaced by C.
Protein change: p.Met649Thr; replaces methionine 649 with threonine.
Molecular consequence: missense variant.
Genome position (GRCh38, 1-based): chr11:119,287,856, T>C. VCF-style: chr11-119287856-T-C. GRCh37 (hg19) VCF-style: chr11-119158566-T-C.
Other names: short protein forms M649T.
Identifiers: ClinVar variation 3673300 (VCV003673300.3).

ClinVar aggregate classification (germline): Uncertain significance. Review status: criteria provided, multiple submitters, no conflicts (2 of 4 stars). 2 submissions from 2 submitters: Uncertain significance (2). Last evaluated 2024-04-16.

Conditions:
CBL-related disorder. Also called: NOONAN SYNDROME-LIKE DISORDER WITHOUT JUVENILE MYELOMONOCYTIC LEUKEMIA; CBL MUTATION-ASSOCIATED SYNDROME; CBL SYNDROME. Identifiers: Orphanet 363972, MedGen C3150803, MONDO:0013308, OMIM 613563.
RASopathy. Also called: Noonan spectrum disorder; rasopathies. Identifiers: Orphanet 536391, MedGen C5555857, MONDO:0021060.

gnomAD v4.1: 10 of 1,606,558 alleles (0.00062%); highest among the groups gnomAD compares: Non-Finnish European, 0.00068%; no homozygotes.

Submissions (2):

Labcorp Genetics (formerly Invitae), Labcorp
Classification: Uncertain significance for RASopathy. Last evaluated: 2024-04-16. Review status: criteria provided, single submitter. Criteria: Invitae Variant Classification Sherloc (09022015). Collection method: clinical testing. Allele origin: germline.
Comment: This sequence change replaces methionine, which is neutral and non-polar, with threonine, which is neutral and polar, at codon 649 of the CBL protein (p.Met649Thr). This variant is present in population databases (rs117204536, gnomAD 0.002%). This variant has not been reported in the literature in individuals affected with CBL-related conditions. Advanced modeling of protein sequence and biophysical properties (such as structural, functional, and spatial information, amino acid conservation, physicochemical variation, residue mobility, and thermodynamic stability) performed at Invitae indicates that this missense variant is not expected to disrupt CBL protein function with a negative predictive value of 95%. In summary, the available evidence is currently insufficient to determine the role of this variant in disease. Therefore, it has been classified as a Variant of Uncertain Significance.

Clinical Genomics Laboratory, Stanford Medicine
Classification: Uncertain significance for CBL-related disorder. Last evaluated: 2023-05-08. Review status: criteria provided, single submitter. Criteria: ACMG Guidelines, 2015. Collection method: clinical testing. Allele origin: germline. Observed: 1 variant allele, 1 heterozygote.
Comment: The p.Met649Thr variant in the CBL gene has not been previously reported in association with disease. This variant has been identified in 2/113742 European (non-Finnish) chromosomes by the Genome Aggregation Database. Computational tools predict that this variant does not impact protein function; however, the accuracy of in silico algorithms is limited. These data were assessed using the ACMG/AMP variant interpretation guidelines. In summary, the significance of the p.Met649Thr variant is uncertain. Additional information is needed to resolve the significance of this variant. [ACMG evidence codes used: PM2; BP4]_x000D_